The following is an entry in ClinVar:

NM_000138.5(FBN1):c.8015G>T (p.Cys2672Phe)

Gene: FBN1 (fibrillin 1; minus strand). Cytogenetic location: 15q21.1.
Variant type: single nucleotide variant.
Coding change: c.8015G>T on transcript NM_000138.5 (MANE Select); coding-DNA position 8015, G replaced by T.
Protein change: p.Cys2672Phe; replaces cysteine 2672 with phenylalanine.
Molecular consequence: missense variant.
Genome position (GRCh38, 1-based): chr15:48,415,572, C>A on the plus strand (G>T on the coding strand, the complement: FBN1 is on the minus strand). VCF-style: chr15-48415572-C-A. GRCh37 (hg19) VCF-style: chr15-48707769-C-A.
Other names: short protein forms C2672F.
Identifiers: ClinVar variation 654002 (VCV000654002.9), dbSNP rs1555393831, ClinGen allele CA392322642.

ClinVar aggregate classification (germline): Conflicting classifications of pathogenicity. Review status: criteria provided, conflicting classifications (1 of 4 stars). 2 submissions from 2 submitters: Likely pathogenic (1); Uncertain significance (1). Last evaluated 2023-09-15.

Conditions:
Familial thoracic aortic aneurysm and aortic dissection (TAAD). Also called: Thoracic aortic aneurysms and dissections. Identifiers: Orphanet 91387, MedGen C4707243, MONDO:0019625.
Marfan syndrome (MFS). Also called: FBN1-Related Marfan Syndrome; Marfan syndrome type 1; Marfan's syndrome; Marfan syndrome, classic; MARFAN SYNDROME, TYPE I. Identifiers: Orphanet 284963, Orphanet 558, MedGen C0024796, MONDO:0007947, OMIM 154700.
FBN1-related disorder. Also called: FBN1-related disorders.

Submissions (2):

PreventionGenetics, part of Exact Sciences
Classification: Uncertain significance for FBN1-related condition. Last evaluated: 2023-09-15. Review status: criteria provided, single submitter. Criteria: ACMG Guidelines, 2015. Collection method: clinical testing. Allele origin: germline.
Comment: The FBN1 c.8015G>T variant is predicted to result in the amino acid substitution p.Cys2672Phe. Of note, missense variants in FBN1 that create or destroy cysteine residues have been documented to cause Marfan syndrome (Deitz 2001, PubMed ID: 20301510; Comeglio et al. 2007. PubMed ID: 17657824; Stheneur et al. 2009. PubMed ID: 19293843), and missense variants at p.Cys2672 in particular (p.Cys2672Tyr and p.Cys2672Arg) have been reported in at least two affected patients (Franken et al. 2016. PubMed ID: 26787436; Cetinkaya et al. 2018. PubMed ID: 28321935). Although we suspect that this variant may be pathogenic, at this time, the clinical significance of this variant is uncertain due to the absence of conclusive functional and genetic evidence.

Labcorp Genetics (formerly Invitae), Labcorp
Classification: Likely pathogenic for Marfan syndrome; Familial thoracic aortic aneurysm and aortic dissection. Last evaluated: 2022-08-23. Review status: criteria provided, single submitter. Criteria: Invitae Variant Classification Sherloc (09022015). Collection method: clinical testing. Allele origin: germline.
Comment: In summary, the currently available evidence indicates that the variant is pathogenic, but additional data are needed to prove that conclusively. Therefore, this variant has been classified as Likely Pathogenic. This variant disrupts the p.Cys2672 amino acid residue in FBN1. Other variant(s) that disrupt this residue have been observed in individuals with FBN1-related conditions (PMID: 26787436, 28321935), which suggests that this may be a clinically significant amino acid residue. This variant affects a cysteine residue in the EGF-like, TGFBP or hybrid motif domains of FBN1. Cysteine residues are believed to be involved in intramolecular disulfide bridges and have been shown to be important for FBN1 protein structure (PMID: 16905551, 19349279). In addition, missense substitutions affecting cysteine residues within these domains are significantly overrepresented among patients with Marfan syndrome (PMID: 16571647, 17701892). Advanced modeling of protein sequence and biophysical properties (such as structural, functional, and spatial information, amino acid conservation, physicochemical variation, residue mobility, and thermodynamic stability) performed at Invitae indicates that this missense variant is expected to disrupt FBN1 protein function. ClinVar contains an entry for this variant (Variation ID: 654002). This variant has not been reported in the literature in individuals affected with FBN1-related conditions. This variant is not present in population databases (gnomAD no frequency). This sequence change replaces cysteine, which is neutral and slightly polar, with phenylalanine, which is neutral and non-polar, at codon 2672 of the FBN1 protein (p.Cys2672Phe).

Literature cited by the submitters: PubMed 26787436 (cited by Labcorp Genetics (formerly Invitae), Labcorp); PubMed 28321935 (cited by Labcorp Genetics (formerly Invitae), Labcorp); PubMed 16905551 (cited by Labcorp Genetics (formerly Invitae), Labcorp); PubMed 19349279 (cited by Labcorp Genetics (formerly Invitae), Labcorp); PubMed 16571647 (cited by Labcorp Genetics (formerly Invitae), Labcorp); PubMed 17701892 (cited by Labcorp Genetics (formerly Invitae), Labcorp).